The following is an entry in ClinVar:

ClinVar aggregate classification (germline): Uncertain significance (1 of 4 stars; one submission).

Conditions:
Xeroderma pigmentosum, group F (XPF). Also called: XERODERMA PIGMENTOSUM, COMPLEMENTATION GROUP F; XERODERMA PIGMENTOSUM VI; XP, GROUP F; ERCC4-Related Xeroderma Pigmentosum; XERODERMA PIGMENTOSUM, TYPE F; Xeroderma pigmentosum, type 6. Identifiers: MedGen C0268140, MONDO:0010215, OMIM 278760.
Cockayne syndrome. Identifiers: Orphanet 191, MedGen C0009207, MONDO:0016006.
Fanconi anemia complementation group Q. Identifiers: Orphanet 84, MedGen C3808988, MONDO:0014108, OMIM 615272.

Allele frequency attached by ClinVar (database versions not stated): gnomAD exomes below 0.00001; gnomAD 0.00002; TOPMed 0.00004.
gnomAD v4.1: 9 of 1,613,924 alleles (0.00056%); highest among the groups gnomAD compares: African/African-American, 0.0094%; no homozygotes.

Submission:

Labcorp Genetics (formerly Invitae), Labcorp
Classification: Uncertain significance for Fanconi anemia complementation group Q; Xeroderma pigmentosum, group F; Cockayne syndrome. Last evaluated: 2022-08-15. Review status: criteria provided, single submitter. Criteria: Invitae Variant Classification Sherloc (09022015). Collection method: clinical testing. Allele origin: germline.
Comment: In summary, the available evidence is currently insufficient to determine the role of this variant in disease. Therefore, it has been classified as a Variant of Uncertain Significance. Algorithms developed to predict the effect of missense changes on protein structure and function are either unavailable or do not agree on the potential impact of this missense change (SIFT: "Deleterious"; PolyPhen-2: "Probably Damaging"; Align-GVGD: "Class C15"). This variant has not been reported in the literature in individuals affected with ERCC4-related conditions. This variant is not present in population databases (gnomAD no frequency). This sequence change replaces glycine, which is neutral and non-polar, with cysteine, which is neutral and slightly polar, at codon 847 of the ERCC4 protein (p.Gly847Cys).

NM_005236.3(ERCC4):c.2539G>T (p.Gly847Cys)

Gene: ERCC4 (ERCC excision repair 4, endonuclease catalytic subunit; plus strand). Cytogenetic location: 16p13.12.
Variant type: single nucleotide variant.
Coding change: c.2539G>T on transcript NM_005236.3 (MANE Select); coding-DNA position 2539, G replaced by T.
Protein change: p.Gly847Cys; replaces glycine 847 with cysteine.
Molecular consequence: missense variant.
Genome position (GRCh38, 1-based): chr16:13,948,135, G>T. VCF-style: chr16-13948135-G-T. GRCh37 (hg19) VCF-style: chr16-14041992-G-T.
Other names: short protein forms G847C.
Identifiers: ClinVar variation 2415203 (VCV002415203.6), dbSNP rs972892828, ClinGen allele CA278485741.